The following is an entry in ClinVar:

ClinVar aggregate classification (germline): Uncertain significance (1 of 4 stars; one submission).

Conditions:
Cystic fibrosis (CF). Also called: MUCOVISCIDOSIS. Identifiers: Orphanet 586, MedGen C0010674, MONDO:0009061, OMIM 219700. Disease mechanism: loss of function.

gnomAD v4.1: 13 of 1,613,992 alleles (0.00081%); highest among the groups gnomAD compares: Non-Finnish European, 0.0011%; no homozygotes.

Submission:

Ambry Genetics
Classification: Uncertain significance for Cystic fibrosis. Last evaluated: 2024-07-06. Review status: criteria provided, single submitter. Criteria: Ambry Variant Classification Scheme 2023. Collection method: clinical testing. Allele origin: germline.
Comment: The p.A1440T variant (also known as c.4318G>A), located in coding exon 27 of the CFTR gene, results from a G to A substitution at nucleotide position 4318. The alanine at codon 1440 is replaced by threonine, an amino acid with similar properties. This amino acid position is highly conserved in available vertebrate species. In addition, the in silico prediction for this alteration is inconclusive. Based on the available evidence, the clinical significance of this variant remains unclear.

NM_000492.4(CFTR):c.4318G>A (p.Ala1440Thr)

Genes: CFTR (CF transmembrane conductance regulator; plus strand), LOC111674477 (CFTR intron 23 enhancer; plus strand). Cytogenetic location: 7q31.2.
Variant type: single nucleotide variant.
Coding change: c.4318G>A on transcript NM_000492.4 (MANE Select); coding-DNA position 4318, G replaced by A.
Protein change: p.Ala1440Thr; replaces alanine 1440 with threonine.
Molecular consequence: missense variant.
Genome position (GRCh38, 1-based): chr7:117,666,983, G>A. VCF-style: chr7-117666983-G-A. GRCh37 (hg19) VCF-style: chr7-117307037-G-A.
Other names: short protein forms A1440T.
Identifiers: ClinVar variation 3491607 (VCV003491607.1).